The following is an entry in ClinVar:

NM_001146079.2(CLDN14):c.130G>A (p.Val44Met)

Genes: CLDN14 (claudin 14; minus strand), CLDN14-AS1 (CLDN14 antisense RNA 1; plus strand). Cytogenetic location: 21q22.13.
Variant type: single nucleotide variant.
Coding change: c.130G>A on transcript NM_001146079.2 (MANE Select); coding-DNA position 130, G replaced by A.
Protein change: p.Val44Met; replaces valine 44 with methionine.
Molecular consequence: missense variant.
Genome position (GRCh38, 1-based): chr21:36,461,566, C>T on the plus strand (G>A on the coding strand, the complement: CLDN14 is on the minus strand). VCF-style: chr21-36461566-C-T. GRCh37 (hg19) VCF-style: chr21-37833864-C-T.
Other names: c.130G>A, p.Val44Met (NM_001146077.2, NM_001146078.3, NM_012130.4 and 1 more transcripts); short protein forms V44M.
Identifiers: ClinVar variation 2236241 (VCV002236241.16), dbSNP rs141139613, ClinGen allele CA10019334.

ClinVar aggregate classification (germline): Uncertain significance. Review status: criteria provided, multiple submitters, no conflicts (2 of 4 stars). 3 submissions from 3 submitters: Uncertain significance (3). Last evaluated 2025-02-24.

Conditions:
Inborn genetic diseases. Identifiers: MedGen C0950123, MeSH D030342.

Allele frequency attached by ClinVar (database versions not stated): ExAC 0.00003; TOPMed 0.00008; gnomAD 0.00010; gnomAD exomes 0.00013; ESP Exome Variant Server 0.00015.

Submissions (3):

GeneDx
Classification: Uncertain significance. Last evaluated: 2025-02-24. Review status: criteria provided, single submitter. Criteria: GeneDx Variant Classification Process June 2021. Collection method: clinical testing. Allele origin: germline. Affected: yes.
Comment: In silico analysis supports that this missense variant does not alter protein structure/function; Has not been previously published as pathogenic or benign to our knowledge

CeGaT Center for Human Genetics Tuebingen
Classification: Uncertain significance. Last evaluated: 2024-12-01. Review status: criteria provided, single submitter. Criteria: CeGaT Center For Human Genetics Tuebingen Variant Classification Criteria Version 2. Collection method: clinical testing. Allele origin: germline. Affected: yes. Observed: 1 variant allele.
Comment: CLDN14: PM2:Supporting

Ambry Genetics
Classification: Uncertain significance for Inborn genetic diseases. Last evaluated: 2022-01-04. Review status: criteria provided, single submitter. Criteria: Ambry Variant Classification Scheme 2023. Collection method: clinical testing. Allele origin: germline.